The following is an entry in ClinVar:

ClinVar aggregate classification (germline): Uncertain significance (1 of 4 stars; one submission).

gnomAD v4.1: 2 of 1,610,236 alleles (0.00012%); highest among the groups gnomAD compares: Admixed American, 0.0017%; no homozygotes.

Submission:

GeneDx
Classification: Uncertain significance. Last evaluated: 2025-02-06. Review status: criteria provided, single submitter. Criteria: GeneDx Variant Classification Process June 2021. Collection method: clinical testing. Allele origin: germline. Affected: yes.
Comment: Not observed at significant frequency in large population cohorts (gnomAD); In silico analysis indicates that this missense variant does not alter protein structure/function; Has not been previously published as pathogenic or benign to our knowledge

NM_014991.6(WDFY3):c.1954G>A (p.Val652Met)

Genes: WDFY3 (WD repeat and FYVE domain containing 3; minus strand), WDFY3-AS1 (WDFY3 antisense RNA 1; plus strand). Cytogenetic location: 4q21.23.
Variant type: single nucleotide variant.
Coding change: c.1954G>A on transcript NM_014991.6 (MANE Select); coding-DNA position 1954, G replaced by A.
Protein change: p.Val652Met; replaces valine 652 with methionine.
Molecular consequence: missense variant. On other transcripts: non-coding transcript variant (1).
Genome position (GRCh38, 1-based): chr4:84,810,278, C>T on the plus strand (G>A on the coding strand, the complement: WDFY3 is on the minus strand). VCF-style: chr4-84810278-C-T. GRCh37 (hg19) VCF-style: chr4-85731431-C-T.
Other names: short protein forms V652M.
Identifiers: ClinVar variation 4074598 (VCV004074598.1).